The following is an entry in ClinVar:

NM_001378454.1(ALMS1):c.6229G>A (p.Val2077Ile)

Gene: ALMS1 (ALMS1 centrosome and basal body associated protein; plus strand). Cytogenetic location: 2p13.1.
Variant type: single nucleotide variant.
Coding change: c.6229G>A on transcript NM_001378454.1 (MANE Select); coding-DNA position 6229, G replaced by A.
Protein change: p.Val2077Ile; replaces valine 2077 with isoleucine.
Molecular consequence: missense variant.
Genome position (GRCh38, 1-based): chr2:73,452,756, G>A. VCF-style: chr2-73452756-G-A. GRCh37 (hg19) VCF-style: chr2-73679883-G-A.
Other names: c.6232G>A, p.Val2078Ile (NM_015120.4); short protein forms V2078I, V2077I.
Identifiers: ClinVar variation 1358734 (VCV001358734.5), dbSNP rs779402813, ClinGen allele CA1714031.

ClinVar aggregate classification (germline): Uncertain significance. Review status: criteria provided, multiple submitters, no conflicts (2 of 4 stars). 3 submissions from 3 submitters: Uncertain significance (3). Last evaluated 2025-10-13.

Conditions:
Cardiovascular phenotype. Identifiers: MedGen CN230736.
Alstrom syndrome (ALMS). Identifiers: Orphanet 64, MedGen C0268425, MONDO:0008763, OMIM 203800.

Allele frequency attached by ClinVar (database versions not stated): gnomAD exomes below 0.00001; ExAC 0.00001; gnomAD 0.00001; TOPMed 0.00001.
gnomAD v4.1: 12 of 1,613,224 alleles (0.00074%); highest among the groups gnomAD compares: East Asian, 0.0022%; no homozygotes.

Submissions (3):

Women's Health and Genetics/Laboratory Corporation of America, LabCorp
Classification: Uncertain significance. Last evaluated: 2025-10-13. Review status: criteria provided, single submitter. Criteria: LabCorp Variant Classification Summary - May 2015. Collection method: clinical testing. Allele origin: germline.

Ambry Genetics
Classification: Uncertain significance for Cardiovascular phenotype. Last evaluated: 2023-09-28. Review status: criteria provided, single submitter. Criteria: Ambry Variant Classification Scheme 2023. Collection method: clinical testing. Allele origin: germline.
Comment: The p.V2078I variant (also known as c.6232G>A), located in coding exon 8 of the ALMS1 gene, results from a G to A substitution at nucleotide position 6232. The valine at codon 2078 is replaced by isoleucine, an amino acid with highly similar properties. This amino acid position is well conserved in available vertebrate species. In addition, this alteration is predicted to be tolerated by in silico analysis. Since supporting evidence is limited at this time, the clinical significance of this alteration remains unclear.

Labcorp Genetics (formerly Invitae), Labcorp
Classification: Uncertain significance for Alstrom syndrome. Last evaluated: 2021-11-23. Review status: criteria provided, single submitter. Criteria: Invitae Variant Classification Sherloc (09022015). Collection method: clinical testing. Allele origin: germline.
Comment: This sequence change replaces valine, which is neutral and non-polar, with isoleucine, which is neutral and non-polar, at codon 2078 of the ALMS1 protein (p.Val2078Ile). This variant is present in population databases (rs779402813, gnomAD 0.0009%). This variant has not been reported in the literature in individuals affected with ALMS1-related conditions. Algorithms developed to predict the effect of missense changes on protein structure and function output the following: SIFT: "Not Available"; PolyPhen-2: "Not Available"; Align-GVGD: "Not Available". The isoleucine amino acid residue is found in multiple mammalian species, which suggests that this missense change does not adversely affect protein function. In summary, the available evidence is currently insufficient to determine the role of this variant in disease. Therefore, it has been classified as a Variant of Uncertain Significance.